The following is an entry in ClinVar:

NM_000088.4(COL1A1):c.103+16T>C

Gene: COL1A1 (collagen type I alpha 1 chain; minus strand). Cytogenetic location: 17q21.33.
Variant type: single nucleotide variant.
Coding change: c.103+16T>C on transcript NM_000088.4 (MANE Select); 16 bases into the intron after coding-DNA position 103, T replaced by C.
Molecular consequence: intron variant.
Genome position (GRCh38, 1-based): chr17:50,201,395, A>G on the plus strand (T>C on the coding strand, the complement: COL1A1 is on the minus strand). VCF-style: chr17-50201395-A-G. GRCh37 (hg19) VCF-style: chr17-48278756-A-G.
Identifiers: ClinVar variation 931099 (VCV000931099.3), dbSNP rs548069648, ClinGen allele CA291552391.
Genomic context (GRCh38, chr17:50,201,395, plus strand): 5'-TTAAGCCGCGGCCCCCGGGACCAAGCGCAAGGCGCGATATAGAGTATCCTTGCACTCCCA[A>G]AAGTTTGGGACTTACTGTCTTCGTCTTGGCCCTCGACTTGGCCTTCCTCTTGGCCGTGCG-3'

ClinVar aggregate classification (germline): Uncertain significance (1 of 4 stars; one submission).

Conditions:
Osteogenesis imperfecta with normal sclerae, dominant form (OI4). Also called: OSTEOGENESIS IMPERFECTA, TYPE IV, WITH DENTINOGENESIS IMPERFECTA; Osteogenesis imperfecta type 4; OSTEOGENESIS IMPERFECTA WITH NORMAL SCLERAE; Osteogenesis Imperfecta Type IV; Common Variable Osteogenesis Imperfecta with Normal Sclerae. Identifiers: Orphanet 216820, Orphanet 666, MedGen C0268363, MONDO:0008148, OMIM 166220.

gnomAD v4.1: 3 of 1,613,192 alleles (0.00019%); highest among the groups gnomAD compares: South Asian, 0.0011%; no homozygotes.

Submission:

Centre for Mendelian Genomics, University Medical Centre Ljubljana
Classification: Uncertain significance for Osteogenesis imperfecta with normal sclerae, dominant form. Last evaluated: 2019-05-10. Review status: criteria provided, single submitter. Criteria: ACMG Guidelines, 2015. Collection method: clinical testing. Allele origin: unknown. Affected: yes.
Comment: This variant was classified as: Uncertain significance. The available evidence on this variant's pathogenicity is insufficient or conflicting. The following ACMG criteria were applied in classifying this variant: PM2,BP4.